The following is an entry in ClinVar:

NM_004004.6(GJB2):c.300T>G (p.His100Gln)

Gene: GJB2 (gap junction protein beta 2; minus strand). Cytogenetic location: 13q12.11.
Variant type: single nucleotide variant.
Coding change: c.300T>G on transcript NM_004004.6 (MANE Select); coding-DNA position 300, T replaced by G.
Protein change: p.His100Gln; replaces histidine 100 with glutamine.
Molecular consequence: missense variant.
Genome position (GRCh38, 1-based): chr13:20,189,282, A>C on the plus strand (T>G on the coding strand, the complement: GJB2 is on the minus strand). VCF-style: chr13-20189282-A-C. GRCh37 (hg19) VCF-style: chr13-20763421-A-C.
Other names: short protein forms H100Q.
Identifiers: ClinVar variation 4781060 (VCV004781060.1).

ClinVar aggregate classification (germline): Uncertain significance (1 of 4 stars; one submission).

Submission:

Labcorp Genetics (formerly Invitae), Labcorp
Classification: Uncertain significance. Last evaluated: 2025-05-22. Review status: criteria provided, single submitter. Criteria: Invitae Variant Classification Sherloc (09022015). Collection method: clinical testing. Allele origin: germline.
Comment: This sequence change replaces histidine, which is basic and polar, with glutamine, which is neutral and polar, at codon 100 of the GJB2 protein (p.His100Gln). This variant is present in population databases (no rsID available, gnomAD 0.002%). This missense change has been observed in individual(s) with GJB2-related conditions (PMID: 20234132). Invitae Evidence Modeling of protein sequence and biophysical properties (such as structural, functional, and spatial information, amino acid conservation, physicochemical variation, residue mobility, and thermodynamic stability) has been performed for this missense variant. However, the output from this modeling did not meet the statistical confidence thresholds required to predict the impact of this variant on GJB2 protein function. This variant disrupts the p.His100 amino acid residue in GJB2. Other variant(s) that disrupt this residue have been determined to be pathogenic (PMID: 11102979, 16222667, 16467727, 17041943, 20553101, 21094084, 21287563, 21465647). This suggests that this residue is clinically significant, and that variants that disrupt this residue are likely to be disease-causing. In summary, the available evidence is currently insufficient to determine the role of this variant in disease. Therefore, it has been classified as a Variant of Uncertain Significance.

Literature cited by the submitters: PubMed 20234132; PubMed 11102979; PubMed 16222667; PubMed 16467727; PubMed 17041943; PubMed 20553101; PubMed 21094084; PubMed 21287563; PubMed 21465647.